The following is an entry in ClinVar:

ClinVar aggregate classification (germline): Uncertain significance (1 of 4 stars; one submission).

Conditions:
Autosomal recessive ataxia, Beauce type. Also called: SYNE1-Related Autosomal Recessive Cerebellar Ataxia; Spinocerebellar ataxia, autosomal recessive 8; ATAXIA, RECESSIVE, OF BEAUCE; SYNE1 Deficiency. Identifiers: Orphanet 88644, MedGen C1853116, MONDO:0012549, OMIM 610743.
Emery-Dreifuss muscular dystrophy 4, autosomal dominant (EDMD4). Also called: EMERY-DREIFUSS MUSCULAR DYSTROPHY 4 WITH VARIABLE FEATURES. Identifiers: Orphanet 261, MedGen C2751807, MONDO:0013071, OMIM 612998.

Allele frequency attached by ClinVar (database versions not stated): gnomAD 0.00001.
gnomAD v4.1: 1 of 1,613,962 alleles (0.000062%); highest among the groups gnomAD compares: African/African-American, 0.0013%; no homozygotes.

Submission:

Labcorp Genetics (formerly Invitae), Labcorp
Classification: Uncertain significance for Emery-Dreifuss muscular dystrophy 4, autosomal dominant; Autosomal recessive ataxia, Beauce type. Last evaluated: 2017-10-02. Review status: criteria provided, single submitter. Criteria: Invitae Variant Classification Sherloc (09022015). Collection method: clinical testing. Allele origin: germline.
Comment: This sequence change replaces cysteine with tryptophan at codon 4026 of the SYNE1 protein (p.Cys4026Trp). The cysteine residue is highly conserved and there is a large physicochemical difference between cysteine and tryptophan. This variant is not present in population databases (ExAC no frequency). This variant has not been reported in the literature in individuals with SYNE1-related disease. Algorithms developed to predict the effect of missense changes on protein structure and function (SIFT, PolyPhen-2, Align-GVGD) all suggest that this variant is likely to be disruptive, but these predictions have not been confirmed by published functional studies and their clinical significance is uncertain. In summary, the available evidence is currently insufficient to determine the role of this variant in disease. Therefore, it has been classified as a Variant of Uncertain Significance.

NM_182961.4(SYNE1):c.12291T>G (p.Cys4097Trp)

Gene: SYNE1 (spectrin repeat containing nuclear envelope protein 1; minus strand). Cytogenetic location: 6q25.2.
Variant type: single nucleotide variant.
Coding change: c.12291T>G on transcript NM_182961.4 (MANE Select); coding-DNA position 12291, T replaced by G.
Protein change: p.Cys4097Trp; replaces cysteine 4097 with tryptophan.
Molecular consequence: missense variant.
Genome position (GRCh38, 1-based): chr6:152,339,301, A>C on the plus strand (T>G on the coding strand, the complement: SYNE1 is on the minus strand). VCF-style: chr6-152339301-A-C. GRCh37 (hg19) VCF-style: chr6-152660436-A-C.
Other names: c.12078T>G, p.Cys4026Trp (NM_033071.5); short protein forms C4097W, C4026W.
Identifiers: ClinVar variation 538394 (VCV000538394.7), dbSNP rs1554492224, ClinGen allele CA366109719.